The following is an entry in ClinVar:

NM_173598.6(KSR2):c.2846+10C>T

Gene: KSR2 (kinase suppressor of ras 2; minus strand). Cytogenetic location: 12q24.22.
Variant type: single nucleotide variant.
Coding change: c.2846+10C>T on transcript NM_173598.6 (MANE Select); 10 bases into the intron after coding-DNA position 2846, C replaced by T.
Molecular consequence: intron variant.
Genome position (GRCh38, 1-based): chr12:117,469,652, G>A on the plus strand (C>T on the coding strand, the complement: KSR2 is on the minus strand). VCF-style: chr12-117469652-G-A. GRCh37 (hg19) VCF-style: chr12-117907457-G-A.
Other names: c.2759+10C>T (NM_173598.4).
Identifiers: ClinVar variation 2889798 (VCV002889798.5), dbSNP rs943370146, ClinGen allele CA6815609.
Genomic context (GRCh38, chr12:117,469,652, plus strand): 5'-AGGGGATCAAAAAGGTGACAAAGGGCAGAGGACAAGGCAGTGGGGAGAGACATTAAGGGA[G>A]AAAACCTACTCTGCAGACTTCCAGAAATGTCCAGGGTGAGACAGGCGACGGTTTCGCTTT-3'

ClinVar aggregate classification (germline): Likely benign. Review status: criteria provided, single submitter (1 of 4 stars). 2 submissions from 2 submitters: Likely benign (1). 1 of the submissions does not count toward it. Last evaluated 2025-07-10.

Conditions:
KSR2-related disorder. Also called: KSR2-related condition.

Allele frequency attached by ClinVar (database versions not stated): gnomAD 0.00006; ExAC 0.00012; TOPMed 0.00005; gnomAD exomes 0.00008.
gnomAD v4.1: 129 of 1,611,228 alleles (0.008%); highest among the groups gnomAD compares: Non-Finnish European, 0.0087%; no homozygotes.

Submissions (2):

Labcorp Genetics (formerly Invitae), Labcorp
Classification: Likely benign. Last evaluated: 2025-07-10. Review status: criteria provided, single submitter. Criteria: Invitae Variant Classification Sherloc (09022015). Collection method: clinical testing. Allele origin: germline.

PreventionGenetics, part of Exact Sciences
Classification: Likely benign for KSR2-related condition. Last evaluated: 2021-03-09. Review status: no assertion criteria provided. Collection method: clinical testing. Allele origin: germline. Not counted in ClinVar's aggregate classification.
Comment: This variant is classified as likely benign based on ACMG/AMP sequence variant interpretation guidelines (Richards et al. 2015 PMID: 25741868, with internal and published modifications).